The following is an entry in ClinVar:

ClinVar aggregate classification (germline): Likely benign (1 of 4 stars; one submission).

gnomAD v4.1: 7 of 1,524,434 alleles (0.00046%); highest among the groups gnomAD compares: Non-Finnish European, 0.00061%; no homozygotes.

Submission:

CeGaT Center for Human Genetics Tuebingen
Classification: Likely benign. Last evaluated: 2022-11-01. Review status: criteria provided, single submitter. Criteria: CeGaT Center For Human Genetics Tuebingen Variant Classification Criteria Version 2. Collection method: clinical testing. Allele origin: germline. Affected: yes. Observed: 1 variant allele.
Comment: MUC12: PM2:Supporting, BP4, BP7

NM_001164462.2(MUC12):c.5211T>C (p.Arg1737=)

Gene: MUC12 (mucin 12, cell surface associated; plus strand). Cytogenetic location: 7q22.1.
Variant type: single nucleotide variant.
Coding change: c.5211T>C on transcript NM_001164462.2 (MANE Select); coding-DNA position 5211, T replaced by C.
Protein change: p.Arg1737=; no amino-acid change (arginine 1737 retained).
Molecular consequence: synonymous variant.
Genome position (GRCh38, 1-based): chr7:100,995,774, T>C. VCF-style: chr7-100995774-T-C. GRCh37 (hg19) VCF-style: chr7-100639055-T-C.
Identifiers: ClinVar variation 2657814 (VCV002657814.24), dbSNP rs1160084784, ClinGen allele CA456909533.